The following is an entry in ClinVar:

NM_000256.3(MYBPC3):c.3658G>A (p.Asp1220Asn)

Gene: MYBPC3 (myosin binding protein C3; minus strand). Cytogenetic location: 11p11.2.
Variant type: single nucleotide variant.
Coding change: c.3658G>A on transcript NM_000256.3 (MANE Select); coding-DNA position 3658, G replaced by A.
Protein change: p.Asp1220Asn; replaces aspartic acid 1220 with asparagine.
Molecular consequence: missense variant.
Genome position (GRCh38, 1-based): chr11:47,332,228, C>T on the plus strand (G>A on the coding strand, the complement: MYBPC3 is on the minus strand). VCF-style: chr11-47332228-C-T. GRCh37 (hg19) VCF-style: chr11-47353779-C-T.
Other names: short protein forms D1220N.
Identifiers: ClinVar variation 919748 (VCV000919748.13), dbSNP rs1198000256, ClinGen allele CA380311740.
Genomic context (GRCh38, chr11:47,332,228, plus strand): 5'-TCTCCAGAGTCAACACTCCCTGCTTGCTGAACATGCGGAAGCGGGCGTCTTCTCCCAGGT[C>T]CAGGCCATTCTTGAACCAGGAAATCTTGGGCTATAAATAAGGTAAAGAGAGGGAGGGAAG-3'
Protein context (NP_000247.2, residues 1210-1230): PKISWFKNGL[Asp1220Asn]LGEDARFRMF

ClinVar aggregate classification (germline): Uncertain significance. Review status: criteria provided, multiple submitters, no conflicts (2 of 4 stars). 3 submissions from 3 submitters: Uncertain significance (3). Last evaluated 2024-03-06.

Conditions:
Cardiomyopathy (CMYO). Also called: Cardiomyopathies. Identifiers: Orphanet 167848, MedGen C0878544, MONDO:0004994, HP:0001638. Inheritance: Various modes of inheritance.
Hypertrophic cardiomyopathy. Also called: HYPERTROPHIC MYOCARDIOPATHY. Identifiers: Orphanet 217569, MedGen C0007194, MeSH D002312, MONDO:0005045, HP:0001639.

Allele frequency attached by ClinVar (database versions not stated): gnomAD exomes 0.00001 and 0.00002; TOPMed 0.00002.

Submissions (3):

Color Diagnostics, LLC DBA Color Health
Classification: Uncertain significance for Cardiomyopathy. Last evaluated: 2024-03-06. Review status: criteria provided, single submitter. Criteria: ACMG Guidelines, 2015. Collection method: clinical testing. Allele origin: germline.
Comment: This missense variant replaces aspartic acid with asparagine at codon 1220 of the MYBPC3 protein. Computational prediction suggests that this variant may not impact protein structure and function (internally defined REVEL score threshold <= 0.5, PMID: 27666373). Splice site prediction tools suggest that this variant may not impact RNA splicing. To our knowledge, functional studies have not been reported for this variant. This variant has not been reported in individuals affected with cardiovascular disorders in the literature. This variant has been identified in 4/249216 chromosomes in the general population by the Genome Aggregation Database (gnomAD). The available evidence is insufficient to determine the role of this variant in disease conclusively. Therefore, this variant is classified as a Variant of Uncertain Significance.

All of Us Research Program, National Institutes of Health
Classification: Uncertain significance for Hypertrophic cardiomyopathy. Last evaluated: 2023-11-28. Review status: criteria provided, single submitter. Criteria: ACMG Guidelines, 2015. Collection method: clinical testing. Allele origin: germline. Inheritance: Autosomal dominant inheritance. Observed: 1 variant allele, 1 heterozygote.
Comment: This missense variant replaces aspartic acid with asparagine at codon 1220 of the MYBPC3 protein. Computational prediction suggests that this variant may not impact protein structure and function (internally defined REVEL score threshold <= 0.5, PMID: 27666373). Splice site prediction tools suggest that this variant may not impact RNA splicing. To our knowledge, functional studies have not been reported for this variant. This variant has not been reported in individuals affected with cardiovascular disorders in the literature. This variant has been identified in 4/249216 chromosomes in the general population by the Genome Aggregation Database (gnomAD). The available evidence is insufficient to determine the role of this variant in disease conclusively. Therefore, this variant is classified as a Variant of Uncertain Significance.

This study involves interpretation of variants in research participants for the purpose of population health screening. Participant phenotype was not available at the time of variant classification. Additional details can be found in publication PMID: 35346344, PMCID: PMC8962531

Labcorp Genetics (formerly Invitae), Labcorp
Classification: Uncertain significance for Hypertrophic cardiomyopathy. Last evaluated: 2020-08-14. Review status: criteria provided, single submitter. Criteria: Invitae Variant Classification Sherloc (09022015). Collection method: clinical testing. Allele origin: germline.
Comment: This sequence change replaces aspartic acid with asparagine at codon 1220 of the MYBPC3 protein (p.Asp1220Asn). The aspartic acid residue is highly conserved and there is a small physicochemical difference between aspartic acid and asparagine. This variant is not present in population databases (ExAC no frequency). This variant has not been reported in the literature in individuals with MYBPC3-related conditions. Algorithms developed to predict the effect of missense changes on protein structure and function output the following: SIFT: "Deleterious"; PolyPhen-2: "Benign"; Align-GVGD: "Class C15". The asparagine amino acid residue is found in multiple mammalian species, suggesting that this missense change does not adversely affect protein function. These predictions have not been confirmed by published functional studies and their clinical significance is uncertain. In summary, the available evidence is currently insufficient to determine the role of this variant in disease. Therefore, it has been classified as a Variant of Uncertain Significance.